The following is an entry in ClinVar:

NM_004006.3(DMD):c.2994T>A (p.Tyr998Ter)

Gene: DMD (dystrophin; minus strand). Cytogenetic location: Xp21.1.
Variant type: single nucleotide variant.
Coding change: c.2994T>A on transcript NM_004006.3 (MANE Select); coding-DNA position 2994, T replaced by A.
Protein change: p.Tyr998Ter; replaces tyrosine 998 with a stop codon.
Molecular consequence: nonsense.
Genome position (GRCh38, 1-based): chrX:32,468,666, A>T on the plus strand (T>A on the coding strand, the complement: DMD is on the minus strand). VCF-style: chrX-32468666-A-T. GRCh37 (hg19) VCF-style: chrX-32486783-A-T.
Other names: c.2970T>A, p.Tyr990Ter (NM_000109.4); c.2982T>A, p.Tyr994Ter (NM_004009.3); c.2625T>A, p.Tyr875Ter (NM_004010.3); short protein forms Y875*, Y990*, Y994*, Y998*.
Identifiers: ClinVar variation 1070054 (VCV001070054.10), dbSNP rs1472308773, ClinGen allele CA412667100.

ClinVar aggregate classification (germline): Pathogenic (1 of 4 stars; one submission).

Conditions:
Duchenne muscular dystrophy (DMD). Also called: MUSCULAR DYSTROPHY, PSEUDOHYPERTROPHIC PROGRESSIVE, DUCHENNE TYPE; Duchenne Muscular Dystrophy (DMD). Identifiers: Orphanet 98896, MedGen C0013264, MONDO:0010679, OMIM 310200.

Submission:

Labcorp Genetics (formerly Invitae), Labcorp
Classification: Pathogenic for Duchenne muscular dystrophy. Last evaluated: 2020-02-04. Review status: criteria provided, single submitter. Criteria: Invitae Variant Classification Sherloc (09022015). Collection method: clinical testing. Allele origin: germline.
Comment: This variant is not present in population databases (ExAC no frequency). For these reasons, this variant has been classified as Pathogenic. Loss-of-function variants in DMD are known to be pathogenic (PMID: 16770791, 25007885). This variant has been reported in individuals in the Leiden Open-source Variation Database (PMID: 21520333). This sequence change creates a premature translational stop signal (p.Tyr998*) in the DMD gene. It is expected to result in an absent or disrupted protein product.

Literature cited by the submitters: PubMed 16770791; PubMed 25007885; PubMed 21520333.